The following is an entry in ClinVar:

NM_002439.5(MSH3):c.3370G>A (p.Glu1124Lys)

Gene: MSH3 (mutS homolog 3; plus strand). Cytogenetic location: 5q14.1.
Variant type: single nucleotide variant.
Coding change: c.3370G>A on transcript NM_002439.5 (MANE Select); coding-DNA position 3370, G replaced by A.
Protein change: p.Glu1124Lys; replaces glutamic acid 1124 with lysine.
Molecular consequence: missense variant.
Genome position (GRCh38, 1-based): chr5:80,875,818, G>A. VCF-style: chr5-80875818-G-A. GRCh37 (hg19) VCF-style: chr5-80171637-G-A.
Other names: short protein forms E1124K.
Identifiers: ClinVar variation 653963 (VCV000653963.6), dbSNP rs1580106239, ClinGen allele CA360347414.

ClinVar aggregate classification (germline): Uncertain significance (1 of 4 stars; one submission).

Submission:

Labcorp Genetics (formerly Invitae), Labcorp
Classification: Uncertain significance. Last evaluated: 2024-02-26. Review status: criteria provided, single submitter. Criteria: Invitae Variant Classification Sherloc (09022015). Collection method: clinical testing. Allele origin: germline.
Comment: This sequence change replaces glutamic acid, which is acidic and polar, with lysine, which is basic and polar, at codon 1124 of the MSH3 protein (p.Glu1124Lys). This variant is not present in population databases (gnomAD no frequency). This variant has not been reported in the literature in individuals affected with MSH3-related conditions. ClinVar contains an entry for this variant (Variation ID: 653963). An algorithm developed to predict the effect of missense changes on protein structure and function (PolyPhen-2) suggests that this variant is likely to be tolerated. In summary, the available evidence is currently insufficient to determine the role of this variant in disease. Therefore, it has been classified as a Variant of Uncertain Significance.